The following is an entry in ClinVar:

ClinVar aggregate classification (germline): Pathogenic (0 of 4 stars; one submission).

Conditions:
PKD1-related disorder. Also called: PKD1-related condition.

Submission:

PreventionGenetics, part of Exact Sciences
Classification: Pathogenic for PKD1-related condition. Last evaluated: 2023-10-27. Review status: no assertion criteria provided. Collection method: clinical testing. Allele origin: germline.
Comment: The PKD1 c.7422delC variant is predicted to result in a frameshift and premature protein termination (p.Ser2475Leufs*145). To our knowledge, this variant has not been reported in the literature or in a large population database, indicating this variant is rare. Frameshift variants in PKD1 are expected to be pathogenic. This variant is interpreted as pathogenic.

NM_001009944.3(PKD1):c.7422del (p.Ser2475fs)

Gene: PKD1 (polycystin 1, transient receptor potential channel interacting; minus strand). Cytogenetic location: 16p13.3.
Variant type: Deletion.
Coding change: c.7422del on transcript NM_001009944.3 (MANE Select); coding-DNA position 7422, one base deleted (C; older notation c.7422delC).
Protein change: p.Ser2475fs; shifts the reading frame from serine 2475.
Molecular consequence: frameshift variant.
Genome position (GRCh38, 1-based): chr16:2,106,465, G deleted on the plus strand (C on the coding strand, the reverse complement: PKD1 is on the minus strand). VCF-style (leftmost placement, unchanged base first): chr16-2106464-AG-A. GRCh37 (hg19) VCF-style: chr16-2156465-AG-A.
Other names: c.7422del, p.Ser2475fs (NM_000296.4); short protein forms S2475fs.
Identifiers: ClinVar variation 3033287 (VCV003033287.2), dbSNP rs2544780499, ClinGen allele CA2740096849.
Genomic context (GRCh38, chr16:2,106,464, plus strand): 5'-ATTCGAAGTGCACCTTGGTGGTGAGGGCGTGCACAGCGCCCAGTGGGAAGAGGCGGCAAG[AG>A]CCCCCCAGCGGCGGGCGGTTGGGGGACAGGCGGATGGAGGCGCAGCCCTCCTCCTCGCCA-3'